The following is an entry in ClinVar:

ClinVar aggregate classification (germline): Uncertain significance (1 of 4 stars; one submission).

Submission:

GeneDx
Classification: Uncertain significance. Last evaluated: 2024-10-01. Review status: criteria provided, single submitter. Criteria: GeneDx Variant Classification Process June 2021. Collection method: clinical testing. Allele origin: germline. Affected: yes.
Comment: Frameshift variant predicted to result in protein truncation or nonsense mediated decay in a gene or region of a gene for which loss of function is not a well-established mechanism of disease; Not observed at significant frequency in large population cohorts (gnomAD); Has not been previously published as pathogenic or benign to our knowledge

NM_014975.3(MAST1):c.15_16del (p.Trp6fs)

Genes: MAST1 (microtubule associated serine/threonine kinase 1; plus strand), LOC130063671 (ATAC-STARR-seq lymphoblastoid silent region 10178; plus strand). Cytogenetic location: 19p13.13.
Variant type: Microsatellite.
Coding change: c.15_16del on transcript NM_014975.3 (MANE Select); coding-DNA positions 15 to 16, 2 bases deleted (CT; older notation c.15_16delCT).
Protein change: p.Trp6fs; shifts the reading frame from tryptophan 6.
Molecular consequence: frameshift variant.
Genome position (GRCh38, 1-based): chr19:12,838,587-12,838,588, CT deleted; deleting any 2 consecutive bases within chr19:12,838,581-12,838,588 gives the same sequence; the c. name uses the placement nearest the transcript's 3' end. VCF-style (leftmost placement, unchanged base first): chr19-12838580-ACT-A. GRCh37 (hg19) VCF-style: chr19-12949394-ACT-A.
Other names: short protein forms W6fs.
Identifiers: ClinVar variation 3776471 (VCV003776471.1).